The following is an entry in ClinVar:

ClinVar aggregate classification (germline): Benign/Likely benign. Review status: criteria provided, multiple submitters, no conflicts (2 of 4 stars). 2 submissions from 2 submitters: Benign (1); Likely benign (1). Last evaluated 2026-08-01.

Allele frequency attached by ClinVar (database versions not stated): ExAC 0.00028; 1000 Genomes Project 30x 0.00031; 1000 Genomes Project 0.00040; gnomAD 0.00066 and 0.00071; TOPMed 0.00097; ESP Exome Variant Server 0.00108; gnomAD exomes 0.00010 and 0.00021.
gnomAD v4.1: 244 of 1,612,346 alleles (0.015%); highest among the groups gnomAD compares: African/African-American, 0.22%; no homozygotes.

Submissions (2):

CeGaT Center for Human Genetics Tuebingen
Classification: Likely benign. Last evaluated: 2026-08-01. Review status: criteria provided, single submitter. Criteria: CeGaT Center For Human Genetics Tuebingen Variant Classification Criteria Version 2. Collection method: clinical testing. Allele origin: germline. Affected: yes. Observed: 1 variant allele.
Comment: FBXO31: BP4, BP7

Labcorp Genetics (formerly Invitae), Labcorp
Classification: Benign. Last evaluated: 2018-01-02. Review status: criteria provided, single submitter. Criteria: Invitae Variant Classification Sherloc (09022015). Collection method: clinical testing. Allele origin: germline.

NM_024735.5(FBXO31):c.1338C>T (p.Phe446=)

Gene: FBXO31 (F-box protein 31; minus strand). Cytogenetic location: 16q24.2.
Variant type: single nucleotide variant.
Coding change: c.1338C>T on transcript NM_024735.5 (MANE Select); coding-DNA position 1338, C replaced by T.
Protein change: p.Phe446=; no amino-acid change (phenylalanine 446 retained).
Molecular consequence: synonymous variant.
Genome position (GRCh38, 1-based): chr16:87,333,945, G>A on the plus strand (C>T on the coding strand, the complement: FBXO31 is on the minus strand). VCF-style: chr16-87333945-G-A. GRCh37 (hg19) VCF-style: chr16-87367551-G-A.
Other names: c.822C>T, p.Phe274= (NM_001282683.2).
Identifiers: ClinVar variation 736802 (VCV000736802.4), dbSNP rs139174683, ClinGen allele CA8218938.